The following is an entry in ClinVar:

ClinVar aggregate classification (germline): Uncertain significance (1 of 4 stars; one submission).

gnomAD v4.1: 1 of 1,614,102 alleles (0.000062%); highest among the groups gnomAD compares: Admixed American, 0.0017%; no homozygotes.

Submission:

Labcorp Genetics (formerly Invitae), Labcorp
Classification: Uncertain significance. Last evaluated: 2022-02-28. Review status: criteria provided, single submitter. Criteria: Invitae Variant Classification Sherloc (09022015). Collection method: clinical testing. Allele origin: germline.
Comment: In summary, the available evidence is currently insufficient to determine the role of this variant in disease. Therefore, it has been classified as a Variant of Uncertain Significance. Algorithms developed to predict the effect of missense changes on protein structure and function are either unavailable or do not agree on the potential impact of this missense change (SIFT: "Tolerated"; PolyPhen-2: "Probably Damaging"; Align-GVGD: "Class C0"). This variant has not been reported in the literature in individuals affected with TRAP1-related conditions. This variant is not present in population databases (gnomAD no frequency). This sequence change replaces proline, which is neutral and non-polar, with glutamine, which is neutral and polar, at codon 336 of the TRAP1 protein (p.Pro336Gln).

NM_016292.3(TRAP1):c.1007C>A (p.Pro336Gln)

Gene: TRAP1 (TNF receptor associated protein 1; minus strand). Cytogenetic location: 16p13.3.
Variant type: single nucleotide variant.
Coding change: c.1007C>A on transcript NM_016292.3 (MANE Select); coding-DNA position 1007, C replaced by A.
Protein change: p.Pro336Gln; replaces proline 336 with glutamine.
Molecular consequence: missense variant.
Genome position (GRCh38, 1-based): chr16:3,674,376, G>T on the plus strand (C>A on the coding strand, the complement: TRAP1 is on the minus strand). VCF-style: chr16-3674376-G-T. GRCh37 (hg19) VCF-style: chr16-3724377-G-T.
Other names: c.848C>A, p.Pro283Gln (NM_001272049.2); short protein forms P283Q, P336Q.
Identifiers: ClinVar variation 2198236 (VCV002198236.4), dbSNP rs753972655, ClinGen allele CA394569701.